The following is an entry in ClinVar:

NM_014991.6(WDFY3):c.1445C>T (p.Ala482Val)

Gene: WDFY3 (WD repeat and FYVE domain containing 3; minus strand). Cytogenetic location: 4q21.23.
Variant type: single nucleotide variant.
Coding change: c.1445C>T on transcript NM_014991.6 (MANE Select); coding-DNA position 1445, C replaced by T.
Protein change: p.Ala482Val; replaces alanine 482 with valine.
Molecular consequence: missense variant.
Genome position (GRCh38, 1-based): chr4:84,821,230, G>A on the plus strand (C>T on the coding strand, the complement: WDFY3 is on the minus strand). VCF-style: chr4-84821230-G-A. GRCh37 (hg19) VCF-style: chr4-85742383-G-A.
Other names: short protein forms A482V.
Identifiers: ClinVar variation 1695638 (VCV001695638.2), dbSNP rs1401673076, ClinGen allele CA357571998.

ClinVar aggregate classification (germline): Uncertain significance (1 of 4 stars; one submission).

Allele frequency attached by ClinVar (database versions not stated): gnomAD exomes below 0.00001.
gnomAD v4.1: 3 of 1,613,672 alleles (0.00019%); highest among the groups gnomAD compares: Non-Finnish European, 0.00025%; no homozygotes.

Submission:

GeneDx
Classification: Uncertain significance. Last evaluated: 2022-01-06. Review status: criteria provided, single submitter. Criteria: GeneDx Variant Classification Process June 2021. Collection method: clinical testing. Allele origin: germline. Affected: yes.
Comment: Not observed at significant frequency in large population cohorts (gnomAD); In silico analysis supports that this missense variant does not alter protein structure/function; Has not been previously published as pathogenic or benign to our knowledge